The following is an entry in ClinVar:

NM_007194.4(CHEK2):c.1081G>C (p.Asp361His)

Gene: CHEK2 (checkpoint kinase 2; minus strand). Cytogenetic location: 22q12.1.
Variant type: single nucleotide variant.
Coding change: c.1081G>C on transcript NM_007194.4 (MANE Select); coding-DNA position 1081, G replaced by C.
Protein change: p.Asp361His; replaces aspartic acid 361 with histidine.
Molecular consequence: missense variant. On other transcripts: intron variant (3).
Genome position (GRCh38, 1-based): chr22:28,696,915, C>G on the plus strand (G>C on the coding strand, the complement: CHEK2 is on the minus strand). VCF-style: chr22-28696915-C-G. GRCh37 (hg19) VCF-style: chr22-29092903-C-G.
Other names: c.1009-1042G>C (NM_145862.3); c.1102-1042G>C (NM_001438295.1); c.1138-1042G>C (NM_001438294.1); c.1210G>C, p.Asp404His (NM_001005735.3); c.418G>C, p.Asp140His (NM_001257387.3, NM_001437942.1); c.880G>C, p.Asp294His (NM_001349956.3); c.1174G>C, p.Asp392His (NM_001438293.1); short protein forms D361H, D140H, D294H, D404H, D392H.
Identifiers: ClinVar variation 410030 (VCV000410030.53), dbSNP rs199859140, ClinGen allele CA16616323.
Genomic context (GRCh38, chr22:28,696,915, plus strand): 5'-ACAAGAATCTACAGGAATAGCCACATACAGAATGCCAATTTCTTACCTTTATAAGACAGT[C>G]CTCTTCTTGAGATGACAGTAAAACATTCTCTGGCTTTAAGTCACGGTGTATAATACCGTT-3'
Protein context (NP_009125.1, residues 351-371): ENVLLSSQEE[Asp361His]CLIKITDFGH

ClinVar aggregate classification (germline): Uncertain significance. Review status: criteria provided, multiple submitters, no conflicts (2 of 4 stars). 6 submissions from 6 submitters: Uncertain significance (6). Last evaluated 2025-01-07.

Conditions:
Familial cancer of breast. Also called: hereditary breast carcinoma; BREAST CANCER, FAMILIAL; Hereditary breast cancer. Identifiers: Orphanet 227535, MedGen C0346153, MONDO:0016419, OMIM 114480. Disease mechanism: loss of function.
Familial prostate cancer. Also called: Hereditary Prostate Cancer. Identifiers: MedGen C2931456, MONDO:0700275, OMIM 176807.
Bone osteosarcoma. Also called: Osteosarcoma, somatic. Identifiers: Orphanet 668, MedGen C0585442, MONDO:0002629, OMIM 259500.
CHEK2-related cancer predisposition (TPDS4). Also called: CHEK2-related cancer susceptibility; TUMOR PREDISPOSITION SYNDROME 4; CANCER PREDISPOSITION SYNDROME, CHEK2-RELATED. Identifiers: Orphanet 524, MedGen C5882668, MONDO:0700271, OMIM 609265.
Hereditary cancer-predisposing syndrome. Also called: Hereditary Cancer Syndrome; Tumor predisposition; Neoplastic Syndromes, Hereditary; Hereditary neoplastic syndrome. Identifiers: Orphanet 140162, MedGen C0027672, MeSH D009386, MONDO:0015356.

Allele frequency attached by ClinVar (database versions not stated): gnomAD 0.00001; gnomAD exomes below 0.00001; TOPMed below 0.00001.
gnomAD v4.1: 2 of 1,610,882 alleles (0.00012%); highest among the groups gnomAD compares: Non-Finnish European, 0.00017%; no homozygotes.

Submissions (6):

Ambry Genetics
Classification: Uncertain significance for Hereditary cancer-predisposing syndrome. Last evaluated: 2025-01-07. Review status: criteria provided, single submitter. Criteria: Ambry Variant Classification Scheme 2023. Collection method: clinical testing. Allele origin: germline.
Comment: The p.D361H variant (also known as c.1081G>C), located in coding exon 9 of the CHEK2 gene, results from a G to C substitution at nucleotide position 1081. The aspartic acid at codon 361 is replaced by histidine, an amino acid with similar properties. This variant was reported as functional in a study assessing CHEK2-complementation through quantification of KAP1 phosphorylation and CHK2 autophosphorylation in human RPE1-CHEK2-knockout cells (Stolarova L et al. Clin Cancer Res, 2023 Aug;29:3037-3050). This amino acid position is well conserved in available vertebrate species. In addition, this alteration is predicted to be tolerated by in silico analysis. Based on the available evidence, the clinical significance of this variant remains unclear.

Labcorp Genetics (formerly Invitae), Labcorp
Classification: Uncertain significance for Familial cancer of breast. Last evaluated: 2024-09-23. Review status: criteria provided, single submitter. Criteria: Invitae Variant Classification Sherloc (09022015). Collection method: clinical testing. Allele origin: germline.
Comment: This sequence change replaces aspartic acid, which is acidic and polar, with histidine, which is basic and polar, at codon 361 of the CHEK2 protein (p.Asp361His). This variant is not present in population databases (gnomAD no frequency). This variant has not been reported in the literature in individuals affected with CHEK2-related conditions. ClinVar contains an entry for this variant (Variation ID: 410030). An algorithm developed to predict the effect of missense changes on protein structure and function (PolyPhen-2) suggests that this variant is likely to be disruptive. Experimental studies have shown that this missense change does not substantially affect CHEK2 function (PMID: 37449874). In summary, the available evidence is currently insufficient to determine the role of this variant in disease. Therefore, it has been classified as a Variant of Uncertain Significance.

Fulgent Genetics
Classification: Uncertain significance for Familial prostate cancer; Bone osteosarcoma; CHEK2-related cancer predisposition. Last evaluated: 2024-03-28. Review status: criteria provided, single submitter. Criteria: ACMG Guidelines, 2015. Collection method: clinical testing. Allele origin: germline.

GeneDx
Classification: Uncertain significance. Last evaluated: 2024-03-23. Review status: criteria provided, single submitter. Criteria: GeneDx Variant Classification Process June 2021. Collection method: clinical testing. Allele origin: germline. Affected: yes.
Comment: Not observed at significant frequency in large population cohorts (gnomAD); In silico analysis supports that this missense variant does not alter protein structure/function; This variant is associated with the following publications: (PMID: 29522266, 22419737, 19782031, 38332730, 37449874, 33471991)

Color Diagnostics, LLC DBA Color Health
Classification: Uncertain significance for Hereditary cancer-predisposing syndrome. Last evaluated: 2023-12-14. Review status: criteria provided, single submitter. Criteria: ACMG Guidelines, 2015. Collection method: clinical testing. Allele origin: germline.
Comment: This missense variant replaces aspartic acid with histidine at codon 361 of the CHEK2 protein. Computational prediction suggests that this variant may not impact protein structure and function (internally defined REVEL score threshold <= 0.5, PMID: 27666373). A functional study has reported that this variant does not impact CHEK2 function in autophosphorylation and phosphorylation of KAP1 (PMID: 37449874). This variant has been reported in at least one individual affected with breast cancer (PMID: 29522266, 33471991; Leiden Open Variation Database DB-ID CHEK2_000366). This variant has not been identified in the general population by the Genome Aggregation Database (gnomAD). The available evidence is insufficient to determine the role of this variant in disease conclusively. Therefore, this variant is classified as a Variant of Uncertain Significance.

CeGaT Center for Human Genetics Tuebingen
Classification: Uncertain significance. Last evaluated: 2022-11-01. Review status: criteria provided, single submitter. Criteria: CeGaT Center For Human Genetics Tuebingen Variant Classification Criteria Version 2. Collection method: clinical testing. Allele origin: germline. Affected: yes. Observed: 1 variant allele.
Comment: CHEK2: PM2, BP4

Literature cited by the submitters: PubMed 37449874 (cited by 3 submitters); PubMed 29522266 (cited by Color Diagnostics, LLC DBA Color Health); PubMed 33471991 (cited by Color Diagnostics, LLC DBA Color Health).